The following is an entry in ClinVar:

NM_002473.6(MYH9):c.4095+12_4095+20del

Gene: MYH9 (myosin heavy chain 9; minus strand). Cytogenetic location: 22q12.3.
Variant type: Deletion.
Coding change: c.4095+12_4095+20del on transcript NM_002473.6 (MANE Select); bases 12 to 20 of the intron after coding-DNA position 4095, 9 bases deleted (TGGGGGACC; older notation c.4095+12_4095+20delTGGGGGACC).
Molecular consequence: intron variant.
Genome position (GRCh38, 1-based): chr22:36,293,309-36,293,317, GGTCCCCCA deleted on the plus strand (TGGGGGACC on the coding strand, the reverse complement: MYH9 is on the minus strand); deleting any 9 consecutive bases within chr22:36,293,309-36,293,319 gives the same sequence; the c. name uses the placement nearest the transcript's 3' end. VCF-style (leftmost placement, unchanged base first): chr22-36293308-CGGTCCCCCA-C. GRCh37 (hg19) VCF-style: chr22-36689354-CGGTCCCCCA-C.
Other names: c.4095+12_4095+20delTGGGGGACC (NM_002473.6).
Identifiers: ClinVar variation 3251714 (VCV003251714.4), dbSNP rs762475888.

ClinVar aggregate classification (germline): Likely benign. Review status: criteria provided, multiple submitters, no conflicts (2 of 4 stars). 3 submissions from 3 submitters: Likely benign (3). Last evaluated 2025-12-11.

Submissions (3):

Labcorp Genetics (formerly Invitae), Labcorp
Classification: Likely benign. Last evaluated: 2025-12-11. Review status: criteria provided, single submitter. Criteria: Invitae Variant Classification Sherloc (09022015). Collection method: clinical testing. Allele origin: germline.

Blueprint Genetics
Classification: Likely benign. Last evaluated: 2024-11-04. Review status: criteria provided, single submitter. Criteria: ACMG Guidelines, 2015. Collection method: clinical testing. Allele origin: germline.

Women's Health and Genetics/Laboratory Corporation of America, LabCorp
Classification: Likely benign. Last evaluated: 2024-04-24. Review status: criteria provided, single submitter. Criteria: LabCorp Variant Classification Summary - May 2015. Collection method: clinical testing. Allele origin: germline.
Comment: Variant summary: MYH9 c.4095+12_4095+20delTGGGGGACC is located at a position not widely known to affect splicing. Consensus agreement among computation tools predict no significant impact on normal splicing. However, these predictions have yet to be confirmed by functional studies. The variant allele was found at a frequency of 7.3e-05 in 247098 control chromosomes (i.e. in 20 carriers) in the gnomAD database (v2.1 dataset). The occurrence in several carriers suggests that this variant is likely not associated with a high penetrance, severe, early onset disease phenotypes in heterozygous state. To our knowledge, no occurrence of c.4095+12_4095+20delTGGGGGACC in individuals affected with Macrothrombocytopenia And Granulocyte Inclusions With Or Without Nephritis Or Sensorineural Hearing Loss and no experimental evidence demonstrating its impact on protein function have been reported. No submitters have cited clinical-significance assessments for this variant to ClinVar. Based on the evidence outlined above, the variant was classified as likely benign.